The following is an entry in ClinVar:

NM_012082.4(ZFPM2):c.587T>C (p.Ile196Thr)

Genes: ZFPM2 (zinc finger protein, FOG family member 2; plus strand), ZFPM2-AS1 (ZFPM2 antisense RNA 1; minus strand). Cytogenetic location: 8q23.1.
Variant type: single nucleotide variant.
Coding change: c.587T>C on transcript NM_012082.4 (MANE Select); coding-DNA position 587, T replaced by C.
Protein change: p.Ile196Thr; replaces isoleucine 196 with threonine.
Molecular consequence: missense variant.
Genome position (GRCh38, 1-based): chr8:105,788,772, T>C. VCF-style: chr8-105788772-T-C. GRCh37 (hg19) VCF-style: chr8-106801000-T-C.
Other names: c.428T>C, p.Ile143Thr (NM_001362836.2); c.191T>C, p.Ile64Thr (NM_001362837.2); short protein forms I64T, I143T, I196T.
Identifiers: ClinVar variation 4721698 (VCV004721698.1).
Genomic context (GRCh38, chr8:105,788,772, plus strand): 5'-TAATAGGGGGTCAGCTTTGGTGTACAACTACGAAGGCCATCTCTGAGGGTGAAGAGCTAA[T>C]TGCCTTTGTGGTGGATTTTGACTCAAGGCTACAAGCTGCCAGTCAGATGACTCTCACAGA-3'
Protein context (NP_036214.2, residues 186-206): TKAISEGEEL[Ile196Thr]AFVVDFDSRL

ClinVar aggregate classification (germline): Uncertain significance (1 of 4 stars; one submission).

Conditions:
46,XY sex reversal 9 (SRXY9). Also called: 46,XY SEX REVERSAL, ZFPM2-RELATED. Identifiers: Orphanet 251510, MedGen C4015129, MONDO:0014480, OMIM 616067.

Submission:

Labcorp Genetics (formerly Invitae), Labcorp
Classification: Uncertain significance for 46,XY sex reversal 9. Last evaluated: 2025-08-22. Review status: criteria provided, single submitter. Criteria: Invitae Variant Classification Sherloc (09022015). Collection method: clinical testing. Allele origin: germline.
Comment: This sequence change replaces isoleucine, which is neutral and non-polar, with threonine, which is neutral and polar, at codon 196 of the ZFPM2 protein (p.Ile196Thr). This variant is not present in population databases (gnomAD no frequency). This variant has not been reported in the literature in individuals affected with ZFPM2-related conditions. An algorithm developed to predict the effect of missense changes on protein structure and function (PolyPhen-2) suggests that this variant is likely to be tolerated. In summary, the available evidence is currently insufficient to determine the role of this variant in disease. Therefore, it has been classified as a Variant of Uncertain Significance.